The following is an entry in ClinVar:

NM_000135.4(FANCA):c.1290G>A (p.Ala430=)

Gene: FANCA (FA complementation group A; minus strand). Cytogenetic location: 16q24.3.
Variant type: single nucleotide variant.
Coding change: c.1290G>A on transcript NM_000135.4 (MANE Select); coding-DNA position 1290, G replaced by A.
Protein change: p.Ala430=; no amino-acid change (alanine 430 retained).
Molecular consequence: synonymous variant.
Genome position (GRCh38, 1-based): chr16:89,791,472, C>T on the plus strand (G>A on the coding strand, the complement: FANCA is on the minus strand). VCF-style: chr16-89791472-C-T. GRCh37 (hg19) VCF-style: chr16-89857880-C-T.
Other names: p.Ala430=; c.1290G>A, p.Ala430= (NM_001286167.3); c.1290G>A (LRG_495t1, NM_000135.3).
Identifiers: ClinVar variation 255233 (VCV000255233.27), dbSNP rs1800332, ClinGen allele CA8252411.

ClinVar aggregate classification (germline): Benign/Likely benign. Review status: criteria provided, multiple submitters, no conflicts (2 of 4 stars). 11 submissions from 11 submitters: Benign (9); Likely benign (1). 1 of the submissions does not count toward it. Last evaluated 2026-02-04.

Conditions:
Fanconi anemia (FA). Also called: Fanconi's anemia. Identifiers: Orphanet 84, MedGen C0015625, MeSH D005199, MONDO:0019391.
Fanconi anemia complementation group A (FANCA). Also called: Fanconi anemia, group A; FANCA-Related Fanconi Anemia. Identifiers: Orphanet 84, MedGen C3469521, MONDO:0009215, OMIM 227650.

Allele frequency attached by ClinVar (database versions not stated): 1000 Genomes Project 0.03255; TOPMed 0.03270; 1000 Genomes Project 30x 0.03342; ESP Exome Variant Server 0.03501.
gnomAD v4.1: 8,418 of 1,614,136 alleles (0.52%); highest among the groups gnomAD compares: African/African-American, 9.9%; 424 homozygotes.

Submissions (11):

Labcorp Genetics (formerly Invitae), Labcorp
Classification: Benign for Fanconi anemia. Last evaluated: 2026-02-04. Review status: criteria provided, single submitter. Criteria: Invitae Variant Classification Sherloc (09022015). Collection method: clinical testing. Allele origin: germline.

Quest Diagnostics Nichols Institute San Juan Capistrano
Classification: Benign. Last evaluated: 2025-05-08. Review status: criteria provided, single submitter. Criteria: Quest Diagnostics criteria. Collection method: clinical testing. Allele origin: unknown.

ARUP Laboratories, Molecular Genetics and Genomics, ARUP Laboratories
Classification: Benign for Fanconi anemia complementation group A. Last evaluated: 2024-04-22. Review status: criteria provided, single submitter. Criteria: ARUP Molecular Germline Variant Investigation Process 2024. Collection method: clinical testing. Allele origin: germline.

KCCC/NGS Laboratory, Kuwait Cancer Control Center
Classification: Benign for Fanconi anemia complementation group A. Last evaluated: 2023-07-07. Review status: criteria provided, single submitter. Criteria: ACMG Guidelines, 2015. Collection method: clinical testing. Allele origin: germline. Affected: yes.

Fulgent Genetics
Classification: Likely benign for Fanconi anemia complementation group A. Last evaluated: 2021-12-24. Review status: criteria provided, single submitter. Criteria: ACMG Guidelines, 2015. Collection method: clinical testing. Allele origin: unknown.

Mayo Clinic Laboratories, Mayo Clinic
Classification: Benign. Last evaluated: 2021-05-06. Review status: criteria provided, single submitter. Criteria: ACMG Guidelines, 2015. Collection method: clinical testing. Allele origin: germline. Observed: 37 variant alleles.

GeneDx
Classification: Benign. Last evaluated: 2019-03-20. Review status: criteria provided, single submitter. Criteria: GeneDx Variant Classification Process June 2021. Collection method: clinical testing. Allele origin: germline. Affected: yes.

Illumina Laboratory Services, Illumina
Classification: Benign for Fanconi anemia complementation group A. Last evaluated: 2018-01-13. Review status: criteria provided, single submitter. Criteria: ICSL Variant Classification Criteria 13 December 2019. Collection method: clinical testing. Allele origin: germline.
Comment: This variant was observed in the ICSL laboratory as part of a predisposition screen in an ostensibly healthy population. It had not been previously curated by ICSL or reported in the Human Gene Mutation Database (HGMD: prior to June 1st, 2018), and was therefore a candidate for classification through an automated scoring system. Utilizing variant allele frequency, disease prevalence and penetrance estimates, and inheritance mode, an automated score was calculated to assess if this variant is too frequent to cause the disease. Based on the score and internal cut-off values, a variant classified as benign is not then subjected to further curation. The score for this variant resulted in a classification of benign for this disease.

Breakthrough Genomics
Classification: Benign. Review status: criteria provided, single submitter. Criteria: ACMG Guidelines, 2015. Collection method: not provided. Allele origin: germline. Inheritance: Autosomal recessive inheritance. Affected: yes.

PreventionGenetics, part of Exact Sciences
Classification: Benign. Review status: criteria provided, single submitter. Criteria: ACMG Guidelines, 2015. Collection method: clinical testing. Allele origin: germline.

Natera, Inc.
Classification: Benign for Fanconi anemia, group A. Last evaluated: 2020-09-16. Review status: no assertion criteria provided. Collection method: clinical testing. Allele origin: germline. Not counted in ClinVar's aggregate classification.